The following is an entry in ClinVar:

ClinVar aggregate classification (germline): Uncertain significance (1 of 4 stars; one submission).

Conditions:
Congenital muscular hypertrophy-cerebral syndrome (CDLS2). Also called: Cornelia de Lange syndrome 2; SMC1A-Related Cornelia de Lange Syndrome. Identifiers: Orphanet 199, MedGen C1802395, MONDO:0010370, OMIM 300590.

Allele frequency attached by ClinVar (database versions not stated): gnomAD exomes below 0.00001.
gnomAD v4.1: 1 of 1,211,676 alleles (0.000083%); highest among the groups gnomAD compares: Non-Finnish European, 0.00011%; no homozygotes.

Submission:

Labcorp Genetics (formerly Invitae), Labcorp
Classification: Uncertain significance for Congenital muscular hypertrophy-cerebral syndrome. Last evaluated: 2023-03-10. Review status: criteria provided, single submitter. Criteria: Invitae Variant Classification Sherloc (09022015). Collection method: clinical testing. Allele origin: germline.
Comment: This sequence change replaces lysine, which is basic and polar, with threonine, which is neutral and polar, at codon 918 of the SMC1A protein (p.Lys918Thr). This variant is not present in population databases (gnomAD no frequency). This variant has not been reported in the literature in individuals affected with SMC1A-related conditions. Advanced modeling of protein sequence and biophysical properties (such as structural, functional, and spatial information, amino acid conservation, physicochemical variation, residue mobility, and thermodynamic stability) performed at Invitae indicates that this missense variant is not expected to disrupt SMC1A protein function. In summary, the available evidence is currently insufficient to determine the role of this variant in disease. Therefore, it has been classified as a Variant of Uncertain Significance.

NM_006306.4(SMC1A):c.2753A>C (p.Lys918Thr)

Gene: SMC1A (structural maintenance of chromosomes 1A; minus strand). Cytogenetic location: Xp11.22.
Variant type: single nucleotide variant.
Coding change: c.2753A>C on transcript NM_006306.4 (MANE Select); coding-DNA position 2753, A replaced by C.
Protein change: p.Lys918Thr; replaces lysine 918 with threonine.
Molecular consequence: missense variant.
Genome position (GRCh38, 1-based): chrX:53,396,336, T>G on the plus strand (A>C on the coding strand, the complement: SMC1A is on the minus strand). VCF-style: chrX-53396336-T-G. GRCh37 (hg19) VCF-style: chrX-53423256-T-G.
Other names: c.2687A>C, p.Lys896Thr (NM_001281463.1); short protein forms K918T, K896T.
Identifiers: ClinVar variation 2827021 (VCV002827021.3), dbSNP rs2520891453, ClinGen allele CA413248218.